The following is an entry in ClinVar:

ClinVar aggregate classification (germline): Conflicting classifications of pathogenicity. Review status: criteria provided, conflicting classifications (1 of 4 stars). 8 submissions from 8 submitters: Uncertain significance (4); Likely benign (2). 2 of the submissions do not count toward it. Last evaluated 2026-08-26.

Conditions:
PDLIM3-related disorder. Also called: PDLIM3-related condition.
Primary dilated cardiomyopathy (DCM). Also called: Dilated Cardiomyopathy. Identifiers: Orphanet 217604, MedGen C0007193, MeSH D002311, MONDO:0005021, HP:0001644. Inheritance: Various modes of inheritance.
Hypertrophic cardiomyopathy. Also called: HYPERTROPHIC MYOCARDIOPATHY. Identifiers: Orphanet 217569, MedGen C0007194, MeSH D002312, MONDO:0005045, HP:0001639.

Allele frequency attached by ClinVar (database versions not stated): 1000 Genomes Project 0.00020; 1000 Genomes Project 30x 0.00031; ESP Exome Variant Server 0.00031; gnomAD 0.00031; gnomAD exomes 0.00033 and 0.00043; ExAC 0.00042; TOPMed 0.00042.

Submissions (8):

GeneDx
Classification: Uncertain significance. Last evaluated: 2026-08-26. Review status: criteria provided, single submitter. Criteria: GeneDx Variant Classification Process June 2021. Collection method: clinical testing. Allele origin: germline.
Comment: Has not been previously published as pathogenic or benign to our knowledge; In silico analysis supports that this missense variant has a deleterious effect on protein structure/function; Variants in candidate genes are classified as variants of uncertain significance in accordance with ACMG guidelines (PMID: 25741868)

Labcorp Genetics (formerly Invitae), Labcorp
Classification: Likely benign for Hypertrophic cardiomyopathy; Primary dilated cardiomyopathy. Last evaluated: 2026-01-11. Review status: criteria provided, single submitter. Criteria: Invitae Variant Classification Sherloc (09022015). Collection method: clinical testing. Allele origin: germline.

PreventionGenetics, part of Exact Sciences
Classification: Uncertain significance for PDLIM3-related condition. Last evaluated: 2025-09-30. Review status: criteria provided, single submitter. Criteria: ACMG Guidelines, 2015. Collection method: clinical testing. Allele origin: germline.
Comment: The PDLIM3 c.169A>G variant is predicted to result in the amino acid substitution p.Thr57Ala. To our knowledge, this variant has not been reported in the literature. This variant is reported in 0.076% of alleles in individuals of Latino descent in gnomAD. Although we suspect that this variant may be benign, at this time, the clinical significance of this variant is uncertain due to the absence of conclusive functional and genetic evidence.

Ambry Genetics
Classification: Uncertain significance. Last evaluated: 2025-02-18. Review status: criteria provided, single submitter. Criteria: Ambry Variant Classification Scheme 2023. Collection method: clinical testing. Allele origin: germline.
Comment: The p.T57A variant (also known as c.169A>G), located in coding exon 2 of the PDLIM3 gene, results from an A to G substitution at nucleotide position 169. The threonine at codon 57 is replaced by alanine, an amino acid with similar properties. This amino acid position is conserved. In addition, this alteration is predicted to be tolerated by in silico analysis. Since supporting evidence is limited at this time, the clinical significance of this alteration remains unclear.

Women's Health and Genetics/Laboratory Corporation of America, LabCorp
Classification: Likely benign. Last evaluated: 2023-12-17. Review status: criteria provided, single submitter. Criteria: LabCorp Variant Classification Summary - May 2015. Collection method: clinical testing. Allele origin: germline.

Laboratory for Molecular Medicine, Mass General Brigham Personalized Medicine
Classification: Uncertain significance. Last evaluated: 2015-08-06. Review status: criteria provided, single submitter. Criteria: LMM Criteria. Collection method: clinical testing. Allele origin: germline. Observed: 1 variant allele.
Comment: The p.Thr57Ala variant in PDLIM3 has not been previously reported in individuals with cardiomyopathy, but has been identified in 32/66734 European chromosomes b y the Exome Aggregation Consortium (ExAC; dbSNP rs142951316). Computational prediction tools and conservation analysis do not pr ovide strong support for or against an impact to the protein. In summary, the cl inical significance of the p.Thr57Ala variant is uncertain.

Clinical Genetics DNA and cytogenetics Diagnostics Lab, Erasmus MC, Erasmus Medical Center
Classification: Likely benign. Review status: no assertion criteria provided. Collection method: clinical testing. Allele origin: germline. Affected: yes. Study: VKGL Data-share Consensus. Not counted in ClinVar's aggregate classification.

Genome Diagnostics Laboratory, University Medical Center Utrecht
Classification: Likely benign. Review status: no assertion criteria provided. Collection method: clinical testing. Allele origin: germline. Affected: yes. Study: VKGL Data-share Consensus. Not counted in ClinVar's aggregate classification.

NM_014476.6(PDLIM3):c.169A>G (p.Thr57Ala)

Gene: PDLIM3 (PDZ and LIM domain 3; minus strand). Cytogenetic location: 4q35.1.
Variant type: single nucleotide variant.
Coding change: c.169A>G on transcript NM_014476.6 (MANE Select); coding-DNA position 169, A replaced by G.
Protein change: p.Thr57Ala; replaces threonine 57 with alanine.
Molecular consequence: missense variant. On other transcripts: non-coding transcript variant (1), intron variant (1).
Genome position (GRCh38, 1-based): chr4:185,525,096, T>C on the plus strand (A>G on the coding strand, the complement: PDLIM3 is on the minus strand). VCF-style: chr4-185525096-T-C. GRCh37 (hg19) VCF-style: chr4-186446250-T-C.
Other names: c.169A>G, p.Thr57Ala (NM_001114107.5, NM_001257962.2); c.93+10246A>G (NM_001257963.2); short protein forms T57A.
Identifiers: ClinVar variation 229140 (VCV000229140.27), dbSNP rs142951316, ClinGen allele CA3159890.